The following is an entry in ClinVar:

ClinVar aggregate classification (germline): Uncertain significance. Review status: criteria provided, multiple submitters, no conflicts (2 of 4 stars). 2 submissions from 2 submitters: Uncertain significance (2). Last evaluated 2025-07-06.

Conditions:
Left ventricular noncompaction 1 (LVNC1). Also called: LEFT VENTRICULAR NONCOMPACTION 1 WITH OR WITHOUT CONGENITAL HEART DEFECTS. Identifiers: Orphanet 54260, MedGen C1858725, MONDO:0011403, OMIM 604169.

Allele frequency attached by ClinVar (database versions not stated): gnomAD 0.00006 and 0.00005; gnomAD exomes 0.00006 and 0.00008; ExAC 0.00007; TOPMed 0.00004.
gnomAD v4.1: 124 of 1,613,974 alleles (0.0077%); highest among the groups gnomAD compares: Non-Finnish European, 0.0089%; no homozygotes.

Submissions (2):

Labcorp Genetics (formerly Invitae), Labcorp
Classification: Uncertain significance for Left ventricular noncompaction 1. Last evaluated: 2025-07-06. Review status: criteria provided, single submitter. Criteria: Invitae Variant Classification Sherloc (09022015). Collection method: clinical testing. Allele origin: germline.
Comment: This sequence change replaces arginine, which is basic and polar, with histidine, which is basic and polar, at codon 80 of the DTNA protein (p.Arg80His). This variant is present in population databases (rs774912781, gnomAD 0.01%). This variant has not been reported in the literature in individuals affected with DTNA-related conditions. ClinVar contains an entry for this variant (Variation ID: 411865). Invitae Evidence Modeling of protein sequence and biophysical properties (such as structural, functional, and spatial information, amino acid conservation, physicochemical variation, residue mobility, and thermodynamic stability) indicates that this missense variant is not expected to disrupt DTNA protein function with a negative predictive value of 80%. In summary, the available evidence is currently insufficient to determine the role of this variant in disease. Therefore, it has been classified as a Variant of Uncertain Significance.

Stanford Center for Inherited Cardiovascular Disease, Stanford University
Classification: Uncertain significance. Last evaluated: 2018-02-05. Review status: criteria provided, single submitter. Criteria: ACMG Guidelines, 2015. Collection method: provider interpretation. Allele origin: germline.

NM_001386795.1(DTNA):c.239G>A (p.Arg80His)

Gene: DTNA (dystrobrevin alpha; plus strand). Cytogenetic location: 18q12.1.
Variant type: single nucleotide variant.
Coding change: c.239G>A on transcript NM_001386795.1 (MANE Select); coding-DNA position 239, G replaced by A.
Protein change: p.Arg80His; replaces arginine 80 with histidine.
Molecular consequence: missense variant.
Genome position (GRCh38, 1-based): chr18:34,794,127, G>A. VCF-style: chr18-34794127-G-A. GRCh37 (hg19) VCF-style: chr18-32374091-G-A.
Other names: c.239G>A, p.Arg80His (NM_001128175.2, NM_001198938.2, NM_001198939.2 and 35 more transcripts); short protein forms R80H.
Identifiers: ClinVar variation 411865 (VCV000411865.11), dbSNP rs774912781, ClinGen allele CA8935324.